The following is an entry in ClinVar:

NM_003242.6(TGFBR2):c.412T>C (p.Cys138Arg)

Gene: TGFBR2 (transforming growth factor beta receptor 2; plus strand). Cytogenetic location: 3p24.1.
Variant type: single nucleotide variant.
Coding change: c.412T>C on transcript NM_003242.6 (MANE Select); coding-DNA position 412, T replaced by C.
Protein change: p.Cys138Arg; replaces cysteine 138 with arginine.
Molecular consequence: missense variant. On other transcripts: intron variant (2).
Genome position (GRCh38, 1-based): chr3:30,650,418, T>C. VCF-style: chr3-30650418-T-C. GRCh37 (hg19) VCF-style: chr3-30691910-T-C.
Other names: c.487T>C, p.Cys163Arg (NM_001024847.3, NM_001407126.1, NM_001407139.1); c.412T>C, p.Cys138Arg (NM_001407127.1, NM_001407130.1); c.439T>C, p.Cys147Arg (NM_001407128.1); c.307T>C, p.Cys103Arg (NM_001407129.1, NM_001407132.1, NM_001407133.1 and 3 more transcripts); c.170-21220T>C (NM_001407137.1); c.95-21220T>C (NM_001407138.1); short protein forms C103R, C138R, C147R, C163R.
Identifiers: ClinVar variation 3252764 (VCV003252764.1), dbSNP rs863223838.
Genomic context (GRCh38, chr3:30,650,418, plus strand): 5'-TCTCCAAAGTGCATTATGAAGGAAAAAAAAAAGCCTGGTGAGACTTTCTTCATGTGTTCC[T>C]GTAGCTCTGATGAGTGCAATGACAACATCATCTTCTCAGAAGGTGAGTTTTCTTCTCTTA-3'
Protein context (NP_003233.4, residues 128-148): KPGETFFMCS[Cys138Arg]SSDECNDNII

ClinVar aggregate classification (germline): Uncertain significance (1 of 4 stars; one submission).

Submission:

GeneDx
Classification: Uncertain significance. Last evaluated: 2023-07-10. Review status: criteria provided, single submitter. Criteria: GeneDx Variant Classification Process June 2021. Collection method: clinical testing. Allele origin: germline. Affected: yes.
Comment: Not observed at significant frequency in large population cohorts (gnomAD); In silico analysis supports that this missense variant has a deleterious effect on protein structure/function; This variant is associated with the following publications: (PMID: 21270064)